The following is an entry in ClinVar:

NM_006269.2(RP1):c.3728_3729del (p.Glu1243fs)

Gene: RP1 (RP1 axonemal microtubule associated; plus strand). Cytogenetic location: 8q12.1.
Variant type: Deletion.
Coding change: c.3728_3729del on transcript NM_006269.2 (MANE Select); coding-DNA positions 3728 to 3729, 2 bases deleted (AG; older notation c.3728_3729delAG).
Protein change: p.Glu1243fs; shifts the reading frame from glutamic acid 1243.
Molecular consequence: frameshift variant. On other transcripts: intron variant (1).
Genome position (GRCh38, 1-based): chr8:54,627,610-54,627,611, AG deleted; deleting any 2 consecutive bases within chr8:54,627,609-54,627,611 gives the same sequence; the c. name uses the placement nearest the transcript's 3' end. VCF-style (leftmost placement, unchanged base first): chr8-54627608-TGA-T. GRCh37 (hg19) VCF-style: chr8-55540168-TGA-T.
Other names: c.787+5322_787+5323del (NM_001375654.1); short protein forms E1243fs.
Identifiers: ClinVar variation 1358118 (VCV001358118.8), dbSNP rs2129317263, ClinGen allele CA2573143175.

ClinVar aggregate classification (germline): Pathogenic (1 of 4 stars; one submission).

Submission:

Labcorp Genetics (formerly Invitae), Labcorp
Classification: Pathogenic. Last evaluated: 2021-04-11. Review status: criteria provided, single submitter. Criteria: Invitae Variant Classification Sherloc (09022015). Collection method: clinical testing. Allele origin: germline.
Comment: For these reasons, this variant has been classified as Pathogenic. This variant disrupts the C-terminus of the RP1 protein. Many variants that disrupt this region have been reported in individuals with either autosomal dominant or autosomal recessive retinitis pigmentosa (PMID: 11527933, 19933189, 29425069, 30027431). Therefore, variants that disrupt this region are expected to be disease-causing. This variant has been observed in individual(s) with autosomal recessive retinitis pigmentosa (Invitae). This variant is not present in population databases (ExAC no frequency). This sequence change creates a premature translational stop signal (p.Glu1243Glyfs*5) in the RP1 gene. While this is not anticipated to result in nonsense mediated decay, it is expected to disrupt the last 914 amino acid(s) of the RP1 protein.

Literature cited by the submitters: PubMed 11527933; PubMed 19933189; PubMed 29425069; PubMed 30027431.